The following is an entry in ClinVar:

NM_001204.7(BMPR2):c.764A>G (p.Asp255Gly)

Gene: BMPR2 (bone morphogenetic protein receptor type 2; plus strand). Cytogenetic location: 2q33.2.
Variant type: single nucleotide variant.
Coding change: c.764A>G on transcript NM_001204.7 (MANE Select); coding-DNA position 764, A replaced by G.
Protein change: p.Asp255Gly; replaces aspartic acid 255 with glycine.
Molecular consequence: missense variant.
Genome position (GRCh38, 1-based): chr2:202,518,964, A>G. VCF-style: chr2-202518964-A-G. GRCh37 (hg19) VCF-style: chr2-203383687-A-G.
Other names: short protein forms D255G.
Identifiers: ClinVar variation 3824944 (VCV003824944.1).

ClinVar aggregate classification (germline): Uncertain significance (1 of 4 stars; one submission).

Conditions:
Inborn genetic diseases. Identifiers: MedGen C0950123, MeSH D030342.

Submission:

Ambry Genetics
Classification: Uncertain significance for Inborn genetic diseases. Last evaluated: 2025-03-04. Review status: criteria provided, single submitter. Criteria: Ambry Variant Classification Scheme 2023. Collection method: clinical testing. Allele origin: germline.
Comment: The p.D255G variant (also known as c.764A>G), located in coding exon 6 of the BMPR2 gene, results from an A to G substitution at nucleotide position 764. The aspartic acid at codon 255 is replaced by glycine, an amino acid with similar properties. This amino acid position is conserved. In addition, this alteration is predicted to be deleterious by in silico analysis. Based on the available evidence, the clinical significance of this variant remains unclear.